The following is an entry in ClinVar:

ClinVar aggregate classification (germline): Pathogenic (1 of 4 stars; one submission).

Submission:

GeneDx
Classification: Pathogenic. Last evaluated: 2025-07-14. Review status: criteria provided, single submitter. Criteria: GeneDx Variant Classification Process June 2021. Collection method: clinical testing. Allele origin: germline. Affected: yes.
Comment: Nonsense variant predicted to result in protein truncation or nonsense mediated decay in a gene for which loss of function is a known mechanism of disease; Not observed at significant frequency in large population cohorts (gnomAD); Has not been previously published as pathogenic or benign to our knowledge

NM_153252.5(BRWD3):c.4225A>T (p.Lys1409Ter)

Gene: BRWD3 (bromodomain and WD repeat domain containing 3; minus strand). Cytogenetic location: Xq21.1.
Variant type: single nucleotide variant.
Coding change: c.4225A>T on transcript NM_153252.5 (MANE Select); coding-DNA position 4225, A replaced by T.
Protein change: p.Lys1409Ter; replaces lysine 1409 with a stop codon.
Molecular consequence: nonsense.
Genome position (GRCh38, 1-based): chrX:80,684,018, T>A on the plus strand (A>T on the coding strand, the complement: BRWD3 is on the minus strand). VCF-style: chrX-80684018-T-A. GRCh37 (hg19) VCF-style: chrX-79939517-T-A.
Other names: c.4075A>T, p.Lys1359Ter (NM_001441339.1); short protein forms K1359*, K1409*.
Identifiers: ClinVar variation 4686406 (VCV004686406.1).